The following is an entry in ClinVar:

ClinVar aggregate classification (germline): not provided (0 of 4 stars; one submission).

Submission:

Human Evolutionary Genetics, Institut Pasteur
No classification provided. Review status: no classification provided. Collection method: not provided. Allele origin: germline.
ClinVar note: Converted during submission from untested to not provided.

NC_000011.10:g.119168581C>T

Gene: NLRX1 (NLR family member X1; plus strand). Cytogenetic location: 11q23.3.
Variant type: single nucleotide variant.
Molecular consequence: intron variant (on NM_001282358.2).
Genome position: GRCh38 VCF-style: chr11-119168581-C-T. GRCh37 (hg19) VCF-style: chr11-119039290-C-T.
Other names: c.-49+134C>T (NM_001282358.2).
Identifiers: ClinVar variation 102948 (VCV000102948.3), dbSNP rs199476030, ClinGen allele CA229911.